The following is an entry in ClinVar:

ClinVar aggregate classification (germline): Uncertain significance (1 of 4 stars; one submission).

Submission:

Labcorp Genetics (formerly Invitae), Labcorp
Classification: Uncertain significance. Last evaluated: 2025-03-17. Review status: criteria provided, single submitter. Criteria: Invitae Variant Classification Sherloc (09022015). Collection method: clinical testing. Allele origin: germline.
Comment: This sequence change replaces serine, which is neutral and polar, with arginine, which is basic and polar, at codon 364 of the LRP2 protein (p.Ser364Arg). This variant is not present in population databases (gnomAD no frequency). This variant has not been reported in the literature in individuals affected with LRP2-related conditions. ClinVar contains an entry for this variant (Variation ID: 1369572). Invitae Evidence Modeling of protein sequence and biophysical properties (such as structural, functional, and spatial information, amino acid conservation, physicochemical variation, residue mobility, and thermodynamic stability) indicates that this missense variant is not expected to disrupt LRP2 protein function with a negative predictive value of 95%. In summary, the available evidence is currently insufficient to determine the role of this variant in disease. Therefore, it has been classified as a Variant of Uncertain Significance.

NM_004525.3(LRP2):c.1092C>A (p.Ser364Arg)

Gene: LRP2 (LDL receptor related protein 2; minus strand). Cytogenetic location: 2q31.1.
Variant type: single nucleotide variant.
Coding change: c.1092C>A on transcript NM_004525.3 (MANE Select); coding-DNA position 1092, C replaced by A.
Protein change: p.Ser364Arg; replaces serine 364 with arginine.
Molecular consequence: missense variant.
Genome position (GRCh38, 1-based): chr2:169,282,952, G>T on the plus strand (C>A on the coding strand, the complement: LRP2 is on the minus strand). VCF-style: chr2-169282952-G-T. GRCh37 (hg19) VCF-style: chr2-170139462-G-T.
Other names: short protein forms S364R.
Identifiers: ClinVar variation 1369572 (VCV001369572.8), dbSNP rs2105454619, ClinGen allele CA349152346.